The following is an entry in ClinVar:

NM_012478.4(WBP2):c.305-8C>A

Gene: WBP2 (WW domain binding protein 2; minus strand). Cytogenetic location: 17q25.1.
Variant type: single nucleotide variant.
Coding change: c.305-8C>A on transcript NM_012478.4 (MANE Select); 8 bases into the intron before coding-DNA position 305, C replaced by A.
Molecular consequence: intron variant.
Genome position (GRCh38, 1-based): chr17:75,848,670, G>T on the plus strand (C>A on the coding strand, the complement: WBP2 is on the minus strand). VCF-style: chr17-75848670-G-T. GRCh37 (hg19) VCF-style: chr17-73844751-G-T.
Other names: c.305-8C>A (NM_001348170.1, NM_001330499.2, NM_012478.3).
Identifiers: ClinVar variation 1589475 (VCV001589475.12), dbSNP rs184252231, ClinGen allele CA8773965.

ClinVar aggregate classification (germline): Benign/Likely benign. Review status: criteria provided, multiple submitters, no conflicts (2 of 4 stars). 3 submissions from 3 submitters: Benign (1); Likely benign (1). 1 of the submissions does not count toward it. Last evaluated 2025-12-25.

Conditions:
WBP2-related disorder. Also called: WBP2-related condition.

Allele frequency attached by ClinVar (database versions not stated): 1000 Genomes Project 0.00280; 1000 Genomes Project 30x 0.00328; ESP Exome Variant Server 0.00454.
gnomAD v4.1: 1,029 of 1,610,566 alleles (0.064%); highest among the groups gnomAD compares: African/African-American, 1.1%; 6 homozygotes.

Submissions (6):

Labcorp Genetics (formerly Invitae), Labcorp
Classification: Benign. Last evaluated: 2025-12-25. Review status: criteria provided, single submitter. Criteria: Invitae Variant Classification Sherloc (09022015). Collection method: clinical testing. Allele origin: germline.

Blueprint Genetics
Classification: Likely benign. Last evaluated: 2024-02-15. Review status: criteria provided, single submitter. Criteria: ACMG Guidelines, 2015. Collection method: clinical testing. Allele origin: germline.

PreventionGenetics, part of Exact Sciences
Classification: Benign for WBP2-related condition. Last evaluated: 2019-08-07. Review status: no assertion criteria provided. Collection method: clinical testing. Allele origin: germline. Not counted in ClinVar's aggregate classification.
Comment: This variant is classified as benign based on ACMG/AMP sequence variant interpretation guidelines (Richards et al. 2015 PMID: 25741868, with internal and published modifications).

Dr. Peter K. Rogan Lab, Western University
No classification provided (evidence only). Condition: Uterine corpus endometrial carcinoma. Review status: no classification provided. Collection method: in vitro. Allele origin: not applicable. Functional consequence: retained intron. Not counted in ClinVar's aggregate classification.

Dr. Peter K. Rogan Lab, Western University
No classification provided (evidence only). Condition: Sarcoma. Review status: no classification provided. Collection method: in vitro. Allele origin: not applicable. Functional consequence: skipped exon, retained intron. Not counted in ClinVar's aggregate classification.

Dr. Peter K. Rogan Lab, Western University
No classification provided (evidence only). Condition: Gastric cancer. Review status: no classification provided. Collection method: in vitro. Allele origin: not applicable. Functional consequence: skipped exon, retained intron. Not counted in ClinVar's aggregate classification.